The following is an entry in ClinVar:

NM_006182.4(DDR2):c.459G>T (p.Lys153Asn)

Gene: DDR2 (discoidin domain receptor tyrosine kinase 2; plus strand). Cytogenetic location: 1q23.3.
Variant type: single nucleotide variant.
Coding change: c.459G>T on transcript NM_006182.4 (MANE Select); coding-DNA position 459, G replaced by T.
Protein change: p.Lys153Asn; replaces lysine 153 with asparagine.
Molecular consequence: missense variant.
Genome position (GRCh38, 1-based): chr1:162,755,197, G>T. VCF-style: chr1-162755197-G-T. GRCh37 (hg19) VCF-style: chr1-162724987-G-T.
Other names: c.459G>T, p.Lys153Asn (NM_001014796.3, NM_001354982.2, NM_001354983.2); short protein forms K153N.
Identifiers: ClinVar variation 1053637 (VCV001053637.5), dbSNP rs1291613281, ClinGen allele CA343405841.

ClinVar aggregate classification (germline): Uncertain significance (1 of 4 stars; one submission).

Allele frequency attached by ClinVar (database versions not stated): gnomAD exomes 0.00001; TOPMed 0.00001.
gnomAD v4.1: 7 of 1,614,082 alleles (0.00043%); highest among the groups gnomAD compares: Non-Finnish European, 0.00059%; no homozygotes.

Submission:

Labcorp Genetics (formerly Invitae), Labcorp
Classification: Uncertain significance. Last evaluated: 2022-08-16. Review status: criteria provided, single submitter. Criteria: Invitae Variant Classification Sherloc (09022015). Collection method: clinical testing. Allele origin: germline.
Comment: In summary, the available evidence is currently insufficient to determine the role of this variant in disease. Therefore, it has been classified as a Variant of Uncertain Significance. Algorithms developed to predict the effect of missense changes on protein structure and function are either unavailable or do not agree on the potential impact of this missense change (SIFT: "Deleterious"; PolyPhen-2: "Benign"; Align-GVGD: "Class C0"). ClinVar contains an entry for this variant (Variation ID: 1053637). This variant has not been reported in the literature in individuals affected with DDR2-related conditions. This variant is not present in population databases (gnomAD no frequency). This sequence change replaces lysine, which is basic and polar, with asparagine, which is neutral and polar, at codon 153 of the DDR2 protein (p.Lys153Asn).